The following is an entry in ClinVar:

NM_000360.4(TH):c.1378G>T (p.Asp460Tyr)

Gene: TH (tyrosine hydroxylase; minus strand). Cytogenetic location: 11p15.5.
Variant type: single nucleotide variant.
Coding change: c.1378G>T on transcript NM_000360.4 (MANE Select); coding-DNA position 1378, G replaced by T.
Protein change: p.Asp460Tyr; replaces aspartic acid 460 with tyrosine.
Molecular consequence: missense variant.
Genome position (GRCh38, 1-based): chr11:2,164,349, C>A on the plus strand (G>T on the coding strand, the complement: TH is on the minus strand). VCF-style: chr11-2164349-C-A. GRCh37 (hg19) VCF-style: chr11-2185579-C-A.
Other names: c.1471G>T, p.Asp491Tyr (NM_199292.3); c.1459G>T, p.Asp487Tyr (NM_199293.3); short protein forms D460Y, D487Y, D491Y.
Identifiers: ClinVar variation 2664896 (VCV002664896.1), dbSNP rs374629948, ClinGen allele CA379124525.

ClinVar aggregate classification (germline): Uncertain significance (1 of 4 stars; one submission).

Conditions:
TH-deficient dopa-responsive dystonia. Also called: Tyrosine Hydroxylase-Deficient Dopa-Responsive Dystonia; Segawa syndrome, autosomal recessive; DYT-TH. Identifiers: Orphanet 101150, MedGen C2673535, MONDO:0011551, OMIM 605407.

Submission:

Neuberg Centre For Genomic Medicine, NCGM
Classification: Uncertain significance for TH-deficient dopa-responsive dystonia. Last evaluated: 2023-02-14. Review status: criteria provided, single submitter. Criteria: ACMG Guidelines, 2015. Collection method: clinical testing. Allele origin: germline. Inheritance: Autosomal recessive inheritance. Affected: yes.
Comment: The missense c.1378G>T(p.Asp460Tyr) variant in TH gene has not been reported previously as a pathogenic variant nor as a benign variant, to our knowledge. The p.Asp460Tyr variant is novel (not in any individuals) in gnomAD Exomes and 1000 Genomes. This variant has not been reported to the ClinVar database. The amino acid change p.Asp460Tyr in TH is predicted as conserved by GERP++ and PhyloP across 100 vertebrates. The amino acid Asp at position 460 is changed to a Tyr changing protein sequence and it might alter its composition and physico-chemical properties. For these reasons, this variant has been classified as a Variant of Uncertain Significance (VUS).